The following is an entry in ClinVar:

ClinVar aggregate classification (germline): Uncertain significance (1 of 4 stars; one submission).

Conditions:
Brugada syndrome. Also called: Sudden unexpected nocturnal death syndrome; Sudden Unexplained Death Syndrome; Sudden Unexplained Nocturnal Death Syndrome (SUNDS); Sudden unexplained nocturnal death syndrome. Identifiers: Orphanet 130, MedGen C1142166, MONDO:0015263.

Submission:

Labcorp Genetics (formerly Invitae), Labcorp
Classification: Uncertain significance for Brugada syndrome. Last evaluated: 2025-04-20. Review status: criteria provided, single submitter. Criteria: Invitae Variant Classification Sherloc (09022015). Collection method: clinical testing. Allele origin: germline.
Comment: This variant, c.5705_5731del, results in the deletion of 9 amino acid(s) of the SCN10A protein (p.Asn1902_Glu1910del), but otherwise preserves the integrity of the reading frame. This variant is not present in population databases (gnomAD no frequency). This variant has not been reported in the literature in individuals affected with SCN10A-related conditions. In summary, the available evidence is currently insufficient to determine the role of this variant in disease. Therefore, it has been classified as a Variant of Uncertain Significance.

NM_006514.4(SCN10A):c.5705_5731del (p.Asn1902_Glu1910del)

Gene: SCN10A (sodium voltage-gated channel alpha subunit 10; minus strand). Cytogenetic location: 3p22.2.
Variant type: Deletion.
Coding change: c.5705_5731del on transcript NM_006514.4 (MANE Select); coding-DNA positions 5705 to 5731, 27 bases deleted (ATTGTGTACTCCCAGACAAATCTGAAA).
Protein change: p.Asn1902_Glu1910del.
Molecular consequence: inframe deletion.
Genome position (GRCh38, 1-based): chr3:38,697,489-38,697,515, TTTCAGATTTGTCTGGGAGTACACAAT deleted on the plus strand (ATTGTGTACTCCCAGACAAATCTGAAA on the coding strand, the reverse complement: SCN10A is on the minus strand); deleting any 27 consecutive bases within chr3:38,697,489-38,697,520 gives the same sequence; the c. name uses the placement nearest the transcript's 3' end. VCF-style (leftmost placement, unchanged base first): chr3-38697488-GTTTCAGATTTGTCTGGGAGTACACAAT-G. GRCh37 (hg19) VCF-style: chr3-38738979-GTTTCAGATTTGTCTGGGAGTACACAAT-G.
Other names: c.5702_5728del, p.Asn1901_Glu1909del (NM_001293306.2); c.5411_5437del, p.Asn1804_Glu1812del (NM_001293307.2).
Identifiers: ClinVar variation 4744192 (VCV004744192.1).